The following is an entry in ClinVar:

ClinVar aggregate classification (germline): Uncertain significance (1 of 4 stars; one submission).

Submission:

GeneDx
Classification: Uncertain significance. Last evaluated: 2024-06-30. Review status: criteria provided, single submitter. Criteria: GeneDx Variant Classification Process June 2021. Collection method: clinical testing. Allele origin: germline. Affected: yes.
Comment: Not observed at significant frequency in large population cohorts (gnomAD); In silico analysis indicates that this missense variant does not alter protein structure/function; Has not been previously published as pathogenic or benign to our knowledge; Reported using an alternate transcript of the gene

NM_080425.4(GNAS):c.1381G>T (p.Ala461Ser)

Gene: GNAS (GNAS complex locus; plus strand). Cytogenetic location: 20q13.32.
Variant type: single nucleotide variant.
Coding change: c.1381G>T on transcript NM_080425.4 (MANE Plus Clinical); coding-DNA position 1381, G replaced by T.
Protein change: p.Ala461Ser; replaces alanine 461 with serine.
Molecular consequence: missense variant. On other transcripts: synonymous variant (2), intron variant (3).
Genome position (GRCh38, 1-based): chr20:58,854,646, G>T. VCF-style: chr20-58854646-G-T. GRCh37 (hg19) VCF-style: chr20-57429701-G-T.
Other names: c.1194G>T, p.Thr398= (NM_001077490.3, NM_001309883.1); c.1381G>T, p.Ala461Ser (NM_001410913.1); c.*42+13760G>T (NM_016592.5); c.43+13760G>T (NM_001410912.1); c.-39+12771G>T (NM_001309861.2); short protein forms A461S.
Identifiers: ClinVar variation 3393634 (VCV003393634.1).